The following is an entry in ClinVar:

NM_001003800.2(BICD2):c.803A>G (p.Asn268Ser)

Gene: BICD2 (BICD cargo adaptor 2; minus strand). Cytogenetic location: 9q22.31.
Variant type: single nucleotide variant.
Coding change: c.803A>G on transcript NM_001003800.2 (MANE Select); coding-DNA position 803, A replaced by G.
Protein change: p.Asn268Ser; replaces asparagine 268 with serine.
Molecular consequence: missense variant.
Genome position (GRCh38, 1-based): chr9:92,720,559, T>C on the plus strand (A>G on the coding strand, the complement: BICD2 is on the minus strand). VCF-style: chr9-92720559-T-C. GRCh37 (hg19) VCF-style: chr9-95482841-T-C.
Other names: p.Asn268Ser; c.803A>G, p.Asn268Ser (NM_015250.4); c.803A>G (NM_001003800.1); short protein forms N268S.
Identifiers: ClinVar variation 1441759 (VCV001441759.8), dbSNP rs566510315, ClinGen allele CA5126720.

ClinVar aggregate classification (germline): Conflicting classifications of pathogenicity. Review status: criteria provided, conflicting classifications (1 of 4 stars). 3 submissions from 3 submitters: Uncertain significance (1); Likely benign (2). Last evaluated 2025-11-03.

Conditions:
Inborn genetic diseases. Identifiers: MedGen C0950123, MeSH D030342.
Autosomal dominant childhood-onset proximal spinal muscular atrophy with contractures (SMALED2A). Also called: SPINAL MUSCULAR ATROPHY, LOWER EXTREMITY-PREDOMINANT, 2A, CHILDHOOD ONSET, AUTOSOMAL DOMINANT; Spinal muscular atrophy, lower extremity-predominant, 2A, autosomal dominant. Identifiers: Orphanet 363447, Orphanet 363454, MedGen C4747715, MONDO:0014121, OMIM 615290.

Allele frequency attached by ClinVar (database versions not stated): gnomAD 0.00002; gnomAD exomes 0.00003 and 0.00004; ExAC 0.00004; TOPMed 0.00004.
gnomAD v4.1: 58 of 1,614,024 alleles (0.0036%); highest among the groups gnomAD compares: Middle Eastern, 0.016%; no homozygotes.

Submissions (3):

Labcorp Genetics (formerly Invitae), Labcorp
Classification: Likely benign for Autosomal dominant childhood-onset proximal spinal muscular atrophy with contractures. Last evaluated: 2025-11-03. Review status: criteria provided, single submitter. Criteria: Invitae Variant Classification Sherloc (09022015). Collection method: clinical testing. Allele origin: germline.

Mayo Clinic Laboratories, Mayo Clinic
Classification: Likely benign. Last evaluated: 2025-01-27. Review status: criteria provided, single submitter. Criteria: ACMG Guidelines, 2015. Collection method: clinical testing. Allele origin: germline. Observed: 1 variant allele.
Comment: BS2, BP4_moderate

Ambry Genetics
Classification: Uncertain significance for Inborn genetic diseases. Last evaluated: 2024-06-17. Review status: criteria provided, single submitter. Criteria: Ambry Variant Classification Scheme 2023. Collection method: clinical testing. Allele origin: germline.